The following is an entry in ClinVar:

NM_000179.3(MSH6):c.3679_3690del (p.Ile1227_Ala1230del)

Gene: MSH6 (mutS homolog 6; plus strand). Cytogenetic location: 2p16.3.
Variant type: Deletion.
Coding change: c.3679_3690del on transcript NM_000179.3 (MANE Select); coding-DNA positions 3679 to 3690, 12 bases deleted (ATAGCAAATGCA).
Protein change: p.Ile1227_Ala1230del.
Molecular consequence: inframe deletion.
Genome position (GRCh38, 1-based): chr2:47,806,236-47,806,247, ATAGCAAATGCA deleted; deleting any 12 consecutive bases within chr2:47,806,233-47,806,247 gives the same sequence; the c. name uses the placement nearest the transcript's 3' end. VCF-style (leftmost placement, unchanged base first): chr2-47806232-GGCAATAGCAAAT-G. GRCh37 (hg19) VCF-style: chr2-48033371-GGCAATAGCAAAT-G.
Other names: c.3289_3300del, p.Ile1097_Ala1100del (NM_001281492.2); c.2773_2784del, p.Ile925_Ala928del (NM_001281493.2, NM_001281494.2); c.3679_3690del12 (NM_000179.3).
Identifiers: ClinVar variation 1462922 (VCV001462922.11), dbSNP rs2104538290, ClinGen allele CA2573134760.

ClinVar aggregate classification (germline): Uncertain significance. Review status: criteria provided, multiple submitters, no conflicts (2 of 4 stars). 2 submissions from 2 submitters: Uncertain significance (2). Last evaluated 2026-05-29.

Conditions:
Hereditary nonpolyposis colorectal neoplasms. Identifiers: MedGen C0009405, MeSH D003123.

Submissions (2):

Women's Health and Genetics/Laboratory Corporation of America, LabCorp
Classification: Uncertain significance. Last evaluated: 2026-05-29. Review status: criteria provided, single submitter. Criteria: LabCorp Variant Classification Summary - May 2015. Collection method: clinical testing. Allele origin: germline.
Comment: Variant summary: MSH6 c.3679_3690del12 (p.Ile1227_Ala1230del) results in an in-frame deletion that is predicted to remove four amino acids from the encoded protein. The variant was absent in 251242 control chromosomes. The available data on variant occurrences in the general population are insufficient to allow any conclusion about variant significance. To our knowledge, no occurrence of c.3679_3690del12 in individuals affected with MSH6-related conditions and no experimental evidence demonstrating its impact on protein function have been reported. ClinVar contains an entry for this variant (Variation ID: 1462922). Based on the evidence outlined above, the variant was classified as uncertain significance.

Labcorp Genetics (formerly Invitae), Labcorp
Classification: Uncertain significance for Hereditary nonpolyposis colorectal neoplasms. Last evaluated: 2021-03-20. Review status: criteria provided, single submitter. Criteria: Invitae Variant Classification Sherloc (09022015). Collection method: clinical testing. Allele origin: germline.
Comment: This variant, c.3679_3690del, results in the deletion of 4 amino acid(s) of the MSH6 protein (p.Ile1227_Ala1230del), but otherwise preserves the integrity of the reading frame. This variant is not present in population databases (ExAC no frequency). This variant has not been reported in the literature in individuals with MSH6-related conditions. Experimental studies and prediction algorithms are not available or were not evaluated, and the functional significance of this variant is currently unknown. In summary, the available evidence is currently insufficient to determine the role of this variant in disease. Therefore, it has been classified as a Variant of Uncertain Significance.